The following is an entry in ClinVar:

NM_003718.5(CDK13):c.604C>G (p.Arg202Gly)

Genes: CDK13 (cyclin dependent kinase 13; plus strand), LOC129998293 (ATAC-STARR-seq lymphoblastoid silent region 18116; plus strand). Cytogenetic location: 7p14.1.
Variant type: single nucleotide variant.
Coding change: c.604C>G on transcript NM_003718.5 (MANE Select); coding-DNA position 604, C replaced by G.
Protein change: p.Arg202Gly; replaces arginine 202 with glycine.
Molecular consequence: missense variant.
Genome position (GRCh38, 1-based): chr7:39,951,245, C>G. VCF-style: chr7-39951245-C-G. GRCh37 (hg19) VCF-style: chr7-39990844-C-G.
Other names: c.604C>G, p.Arg202Gly (NM_031267.4); short protein forms R202G.
Identifiers: ClinVar variation 3384242 (VCV003384242.1).

ClinVar aggregate classification (germline): Uncertain significance (1 of 4 stars; one submission).

Submission:

GeneDx
Classification: Uncertain significance. Last evaluated: 2024-06-04. Review status: criteria provided, single submitter. Criteria: GeneDx Variant Classification Process June 2021. Collection method: clinical testing. Allele origin: germline. Affected: yes.
Comment: Not observed at significant frequency in large population cohorts (gnomAD); In silico analysis indicates that this missense variant does not alter protein structure/function; Has not been previously published as pathogenic or benign to our knowledge